The following is an entry in ClinVar:

ClinVar aggregate classification (germline): Uncertain significance. Review status: criteria provided, multiple submitters, no conflicts (2 of 4 stars). 3 submissions from 3 submitters: Uncertain significance (3). Last evaluated 2022-11-22.

Conditions:
Sialidosis type 2. Also called: SIALIDASE DEFICIENCY; SIALIDOSIS, TYPE II; Mucolipidosis type 1; NEU 1 deficiency; GLYCOPROTEIN NEURAMINIDASE DEFICIENCY; LIPOMUCOPOLYSACCHARIDOSIS. Identifiers: Orphanet 812, Orphanet 87876, MedGen C4282398, MONDO:0009738, OMIM 256550.

Allele frequency attached by ClinVar (database versions not stated): gnomAD exomes 0.00001; TOPMed 0.00001; ESP Exome Variant Server 0.00008.
gnomAD v4.1: 23 of 1,613,928 alleles (0.0014%); highest among the groups gnomAD compares: South Asian, 0.0022%; no homozygotes.

Submissions (3):

Blueprint Genetics
Classification: Uncertain significance. Last evaluated: 2022-11-22. Review status: criteria provided, single submitter. Criteria: ACMG Guidelines, 2015. Collection method: clinical testing. Allele origin: germline.

Labcorp Genetics (formerly Invitae), Labcorp
Classification: Uncertain significance. Last evaluated: 2022-06-07. Review status: criteria provided, single submitter. Criteria: Invitae Variant Classification Sherloc (09022015). Collection method: clinical testing. Allele origin: germline.
Comment: This sequence change replaces glycine, which is neutral and non-polar, with serine, which is neutral and polar, at codon 248 of the NEU1 protein (p.Gly248Ser). This variant is not present in population databases (gnomAD no frequency). This variant has not been reported in the literature in individuals affected with NEU1-related conditions. ClinVar contains an entry for this variant (Variation ID: 905303). Algorithms developed to predict the effect of missense changes on protein structure and function are either unavailable or do not agree on the potential impact of this missense change (SIFT: "Deleterious"; PolyPhen-2: "Possibly Damaging"; Align-GVGD: "Class C0"). Experimental studies have shown that this missense change does not substantially affect NEU1 function (PMID: 25153125). In summary, the available evidence is currently insufficient to determine the role of this variant in disease. Therefore, it has been classified as a Variant of Uncertain Significance.

Illumina Laboratory Services, Illumina
Classification: Uncertain significance for Sialidosis type 2. Last evaluated: 2017-04-27. Review status: criteria provided, single submitter. Criteria: ICSL Variant Classification Criteria 13 December 2019. Collection method: clinical testing. Allele origin: germline.
Comment: This variant was observed as part of a predisposition screen in an ostensibly healthy population. A literature search was performed for the gene, cDNA change, and amino acid change (where applicable). Publications were found based on this search. However, the evidence from the literature, in combination with allele frequency data from public databases where available, was not sufficient to rule this variant in or out of causing disease. Therefore, this variant is classified as a variant of unknown significance.

Literature cited by the submitters: PubMed 25153125 (cited by Labcorp Genetics (formerly Invitae), Labcorp and Illumina Laboratory Services, Illumina).

NM_000434.4(NEU1):c.742G>A (p.Gly248Ser)

Gene: NEU1 (neuraminidase 1; minus strand). Cytogenetic location: 6p21.33.
Variant type: single nucleotide variant.
Coding change: c.742G>A on transcript NM_000434.4 (MANE Select); coding-DNA position 742, G replaced by A.
Protein change: p.Gly248Ser; replaces glycine 248 with serine.
Molecular consequence: missense variant.
Genome position (GRCh38, 1-based): chr6:31,860,495, C>T on the plus strand (G>A on the coding strand, the complement: NEU1 is on the minus strand). VCF-style: chr6-31860495-C-T. GRCh37 (hg19) VCF-style: chr6-31828272-C-T.
Other names: short protein forms G248S.
Identifiers: ClinVar variation 905303 (VCV000905303.6), dbSNP rs373311653, ClinGen allele CA136926094.